The following is an entry in ClinVar:

NM_000285.4(PEPD):c.297G>T (p.Arg99Ser)

Gene: PEPD (peptidase D; minus strand). Cytogenetic location: 19q13.11.
Variant type: single nucleotide variant.
Coding change: c.297G>T on transcript NM_000285.4 (MANE Select); coding-DNA position 297, G replaced by T.
Protein change: p.Arg99Ser; replaces arginine 99 with serine.
Molecular consequence: missense variant. On other transcripts: intron variant (1).
Genome position (GRCh38, 1-based): chr19:33,511,060, C>A on the plus strand (G>T on the coding strand, the complement: PEPD is on the minus strand). VCF-style: chr19-33511060-C-A. GRCh37 (hg19) VCF-style: chr19-34001966-C-A.
Other names: c.297G>T, p.Arg99Ser (NM_001166056.2); c.201+1533G>T (NM_001166057.2); short protein forms R99S.
Identifiers: ClinVar variation 1348603 (VCV001348603.8), dbSNP rs930883932, ClinGen allele CA307566349.
Genomic context (GRCh38, chr19:33,511,060, plus strand): 5'-ATGGTGCCCTGGCCAGGCTGCTCCTTACTTTCCCATCCAGGTGGCATGGCTGGCAGGAAG[C>A]CTGGGCACAAACAGGGTCGACTTCCCAGTGTCAACATCGATGACACCATAGCAGCCTGGC-3'
Protein context (NP_000276.2, residues 89-109): DTGKSTLFVP[Arg99Ser]LPASHATWMG

ClinVar aggregate classification (germline): Uncertain significance (1 of 4 stars; one submission).

Allele frequency attached by ClinVar (database versions not stated): gnomAD 0.00001; TOPMed 0.00002.
gnomAD v4.1: 2 of 1,613,862 alleles (0.00012%); highest among the groups gnomAD compares: Non-Finnish European, 0.00017%; no homozygotes.

Submission:

Labcorp Genetics (formerly Invitae), Labcorp
Classification: Uncertain significance. Last evaluated: 2024-11-04. Review status: criteria provided, single submitter. Criteria: Invitae Variant Classification Sherloc (09022015). Collection method: clinical testing. Allele origin: germline.
Comment: This sequence change replaces arginine, which is basic and polar, with serine, which is neutral and polar, at codon 99 of the PEPD protein (p.Arg99Ser). This variant is not present in population databases (gnomAD no frequency). This variant has not been reported in the literature in individuals affected with PEPD-related conditions. ClinVar contains an entry for this variant (Variation ID: 1348603). Invitae Evidence Modeling of protein sequence and biophysical properties (such as structural, functional, and spatial information, amino acid conservation, physicochemical variation, residue mobility, and thermodynamic stability) indicates that this missense variant is not expected to disrupt PEPD protein function with a negative predictive value of 95%. In summary, the available evidence is currently insufficient to determine the role of this variant in disease. Therefore, it has been classified as a Variant of Uncertain Significance.